The following is an entry in ClinVar:

NM_000824.5(GLRB):c.698T>C (p.Ile233Thr)

Gene: GLRB (glycine receptor beta; plus strand). Cytogenetic location: 4q32.1.
Variant type: single nucleotide variant.
Coding change: c.698T>C on transcript NM_000824.5 (MANE Select); coding-DNA position 698, T replaced by C.
Protein change: p.Ile233Thr; replaces isoleucine 233 with threonine.
Molecular consequence: missense variant.
Genome position (GRCh38, 1-based): chr4:157,138,896, T>C. VCF-style: chr4-157138896-T-C. GRCh37 (hg19) VCF-style: chr4-158060048-T-C.
Other names: c.698T>C, p.Ile233Thr (NM_001166060.2, NM_001166061.2); short protein forms I233T.
Identifiers: ClinVar variation 1959337 (VCV001959337.5), dbSNP rs546246853, ClinGen allele CA3119842.
Genomic context (GRCh38, chr4:157,138,896, plus strand): 5'-TTATCTGGCAGTCAGGAGATCCTGTGCAATTAGAAAAAATTGCCTTGCCTCAATTTGATA[T>C]CAAAAAGGAAGATATTGAATATGGTAACTGTACAAAATACTATAAAGGCACGGGTAAGTA-3'
Protein context (NP_000815.1, residues 223-243): LEKIALPQFD[Ile233Thr]KKEDIEYGNC

ClinVar aggregate classification (germline): Uncertain significance (1 of 4 stars; one submission).

Conditions:
Hyperekplexia 2 (HKPX2). Identifiers: Orphanet 3197, MedGen C3553291, MONDO:0013828, OMIM 614619.

Allele frequency attached by ClinVar (database versions not stated): gnomAD exomes below 0.00001; ExAC 0.00001; TOPMed 0.00001; gnomAD 0.00002; 1000 Genomes Project 30x 0.00016; 1000 Genomes Project 0.00020.
gnomAD v4.1: 4 of 1,490,360 alleles (0.00027%); highest among the groups gnomAD compares: African/African-American, 0.0055%; no homozygotes.

Submission:

Labcorp Genetics (formerly Invitae), Labcorp
Classification: Uncertain significance for Hyperekplexia 2. Last evaluated: 2022-04-29. Review status: criteria provided, single submitter. Criteria: Invitae Variant Classification Sherloc (09022015). Collection method: clinical testing. Allele origin: germline.
Comment: In summary, the available evidence is currently insufficient to determine the role of this variant in disease. Therefore, it has been classified as a Variant of Uncertain Significance. Algorithms developed to predict the effect of missense changes on protein structure and function are either unavailable or do not agree on the potential impact of this missense change (SIFT: "Deleterious"; PolyPhen-2: "Benign"; Align-GVGD: "Class C55"). This variant has not been reported in the literature in individuals affected with GLRB-related conditions. This variant is present in population databases (rs546246853, gnomAD 0.007%). This sequence change replaces isoleucine, which is neutral and non-polar, with threonine, which is neutral and polar, at codon 233 of the GLRB protein (p.Ile233Thr).